The following is an entry in ClinVar:

ClinVar aggregate classification (germline): Uncertain significance (1 of 4 stars; one submission).

Conditions:
Early-infantile DEE. Also called: Ohtahara syndrome; Early infantile epileptic encephalopathy with suppression bursts; Early infantile epileptic encephalopathy. Identifiers: Orphanet 1934, MedGen C0393706, MONDO:0800491.

Allele frequency attached by ClinVar (database versions not stated): gnomAD 0.00001; TOPMed 0.00002; ESP Exome Variant Server 0.00008.

Submission:

Labcorp Genetics (formerly Invitae), Labcorp
Classification: Uncertain significance for Early-infantile DEE. Last evaluated: 2023-08-14. Review status: criteria provided, single submitter. Criteria: Invitae Variant Classification Sherloc (09022015). Collection method: clinical testing. Allele origin: germline.
Comment: In summary, the available evidence is currently insufficient to determine the role of this variant in disease. Therefore, it has been classified as a Variant of Uncertain Significance. An algorithm developed to predict the effect of missense changes on protein structure and function (PolyPhen-2) suggests that this variant is likely to be disruptive. ClinVar contains an entry for this variant (Variation ID: 530538). This variant has not been reported in the literature in individuals affected with ARHGEF15-related conditions. This variant is present in population databases (rs150480540, gnomAD 0.006%). This sequence change replaces proline, which is neutral and non-polar, with alanine, which is neutral and non-polar, at codon 12 of the ARHGEF15 protein (p.Pro12Ala).

NM_173728.4(ARHGEF15):c.34C>G (p.Pro12Ala)

Gene: ARHGEF15 (Rho guanine nucleotide exchange factor 15; plus strand). Cytogenetic location: 17p13.1.
Variant type: single nucleotide variant.
Coding change: c.34C>G on transcript NM_173728.4 (MANE Select); coding-DNA position 34, C replaced by G.
Protein change: p.Pro12Ala; replaces proline 12 with alanine.
Molecular consequence: missense variant.
Genome position (GRCh38, 1-based): chr17:8,312,073, C>G. VCF-style: chr17-8312073-C-G. GRCh37 (hg19) VCF-style: chr17-8215391-C-G.
Other names: c.34C>G, p.Pro12Ala (NM_025014.2); short protein forms P12A.
Identifiers: ClinVar variation 530538 (VCV000530538.11), dbSNP rs150480540, ClinGen allele CA8374761.